The following is an entry in ClinVar:

ClinVar aggregate classification (germline): Pathogenic. Review status: criteria provided, single submitter (1 of 4 stars). 4 submissions from 4 submitters: Pathogenic (1). 3 of the submissions do not count toward it. Last evaluated 2026-01-05.

Conditions:
Papulosquamous eruptions.
Pityriasis rubra pilaris (PRP). Also called: Pityriasis rubra pilaris--familial type. Identifiers: Orphanet 2897, MedGen C0032027, MONDO:0100017, OMIM 173200, MONDO:0008251.
Psoriasis 2. Identifiers: MedGen C1864497, MONDO:0011269, OMIM 602723.

Allele frequency attached by ClinVar (database versions not stated): gnomAD exomes 0.00001; TOPMed 0.00001.
gnomAD v4.1: 10 of 1,614,130 alleles (0.00062%); highest among the groups gnomAD compares: Admixed American, 0.0017%; no homozygotes.

Submissions (4):

Labcorp Genetics (formerly Invitae), Labcorp
Classification: Pathogenic for Pityriasis rubra pilaris; Psoriasis 2. Last evaluated: 2026-01-05. Review status: criteria provided, single submitter. Criteria: Invitae Variant Classification Sherloc (09022015). Collection method: clinical testing. Allele origin: germline.
Comment: This sequence change replaces glycine, which is neutral and non-polar, with serine, which is neutral and polar, at codon 117 of the CARD14 protein (p.Gly117Ser). This variant also falls at the last nucleotide of exon 3, which is part of the consensus splice site for this exon. This variant is present in population databases (rs281875215, gnomAD 0.003%). This missense change has been observed in individual(s) with CARD14-related disorders (PMID: 22521418, 22521419, 29477734). It has also been observed to segregate with disease in related individuals. ClinVar contains an entry for this variant (Variation ID: 31606). Invitae Evidence Modeling of protein sequence and biophysical properties (such as structural, functional, and spatial information, amino acid conservation, physicochemical variation, residue mobility, and thermodynamic stability) has been performed for this missense variant. However, the output from this modeling did not meet the statistical confidence thresholds required to predict the impact of this variant on CARD14 protein function. Experimental studies have shown that this missense change affects CARD14 function (PMID: 22521418, 22521419). Variants that disrupt the consensus splice site are a relatively common cause of aberrant splicing (PMID: 17576681, 9536098). Algorithms developed to predict the effect of sequence changes on RNA splicing suggest that this variant may disrupt the consensus splice site. For these reasons, this variant has been classified as Pathogenic.

Yale Center for Mendelian Genomics, Yale University
Classification: Pathogenic for Papulosquamous eruptions. Last evaluated: 2018-03-01. Review status: no assertion criteria provided. Collection method: literature only. Allele origin: germline. Affected: yes. Observed: 5 heterozygotes, 1 homozygote. Not counted in ClinVar's aggregate classification.

OMIM
Classification: Pathogenic for PSORIASIS 2. Last evaluated: 2013-11-01. Review status: no assertion criteria provided. Collection method: literature only. Allele origin: germline. Not counted in ClinVar's aggregate classification.

UniProtKB/Swiss-Prot
No classification provided. Review status: no classification provided. Collection method: not provided. Allele origin: not provided. Not counted in ClinVar's aggregate classification.

Literature cited by the submitters: PubMed 22521418 (cited by Labcorp Genetics (formerly Invitae), Labcorp and OMIM); PubMed 22521419 (cited by Labcorp Genetics (formerly Invitae), Labcorp and OMIM); PubMed 29477734 (cited by Labcorp Genetics (formerly Invitae), Labcorp and Yale Center for Mendelian Genomics, Yale University); PubMed 17576681 (cited by Labcorp Genetics (formerly Invitae), Labcorp); PubMed 9536098 (cited by Labcorp Genetics (formerly Invitae), Labcorp); PubMed 8178173 (cited by OMIM); PubMed 23648549 (cited by OMIM).

NM_001366385.1(CARD14):c.349G>A (p.Gly117Ser)

Gene: CARD14 (caspase recruitment domain family member 14; plus strand). Cytogenetic location: 17q25.3.
Variant type: single nucleotide variant.
Coding change: c.349G>A on transcript NM_001366385.1 (MANE Select); coding-DNA position 349, G replaced by A.
Protein change: p.Gly117Ser; replaces glycine 117 with serine.
Molecular consequence: missense variant. On other transcripts: non-coding transcript variant (1).
Genome position (GRCh38, 1-based): chr17:80,182,790, G>A. VCF-style: chr17-80182790-G-A. GRCh37 (hg19) VCF-style: chr17-78156589-G-A.
Other names: c.349G>A, p.Gly117Ser (NM_024110.4, NM_001257970.1); short protein forms G117S.
Identifiers: ClinVar variation 31606 (VCV000031606.8), dbSNP rs281875215, ClinGen allele CA129841.